The following is an entry in ClinVar:

ClinVar aggregate classification (germline): Pathogenic (1 of 4 stars; one submission).

Conditions:
Hereditary spastic paraplegia 15 (SPG15). Also called: SPASTIC PARAPLEGIA 15, AUTOSOMAL RECESSIVE; KJELLIN SYNDROME; SPASTIC PARAPLEGIA AND RETINAL DEGENERATION. Identifiers: Orphanet 100996, MedGen C1849128, MONDO:0010044, OMIM 270700.

Submission:

Myriad Genetics, Inc.
Classification: Pathogenic for Hereditary spastic paraplegia 15. Last evaluated: 2023-12-02. Review status: criteria provided, single submitter. Criteria: Myriad Autosomal Dominant, Autosomal Recessive and X-Linked Classification Criteria (2023). Collection method: clinical testing. Allele origin: unknown.
Comment: NM_015346.3(ZFYVE26):c.1658C>G(S553*) is expected to be pathogenic in the context of spastic paraplegia type 15. This variant is predicted to lead to an abnormal or absent protein product due to the creation of a premature termination codon in ZFYVE26, a gene where loss-of-function variants are known to be pathogenic. Please note: this variant was assessed in the context of healthy population screening.

NM_015346.4(ZFYVE26):c.1658C>G (p.Ser553Ter)

Gene: ZFYVE26 (zinc finger FYVE-type containing 26; minus strand). Cytogenetic location: 14q24.1.
Variant type: single nucleotide variant.
Coding change: c.1658C>G on transcript NM_015346.4 (MANE Select); coding-DNA position 1658, C replaced by G.
Protein change: p.Ser553Ter; replaces serine 553 with a stop codon.
Molecular consequence: nonsense.
Genome position (GRCh38, 1-based): chr14:67,798,604, G>C on the plus strand (C>G on the coding strand, the complement: ZFYVE26 is on the minus strand). VCF-style: chr14-67798604-G-C. GRCh37 (hg19) VCF-style: chr14-68265321-G-C.
Other names: short protein forms S553*.
Identifiers: ClinVar variation 5012529 (VCV005012529.1).